The following is an entry in ClinVar:

ClinVar aggregate classification (germline): Likely benign (1 of 4 stars; one submission).

Conditions:
Papillary renal cell carcinoma type 1 (RCCP1). Also called: Renal adenocarcinoma; Renal cell carcinoma 1; Renal cell carcinoma, somatic; RENAL CELL CARCINOMA, PAPILLARY, 1, SOMATIC. Identifiers: Orphanet 47044, MedGen C1336839, OMIM 605074, HP:0011797.

Submission:

Myriad Genetics, Inc.
Classification: Likely benign for Papillary renal cell carcinoma type 1. Last evaluated: 2024-11-11. Review status: criteria provided, single submitter. Criteria: Myriad Autosomal Dominant, Autosomal Recessive and X-Linked Classification Criteria (2023). Collection method: clinical testing. Allele origin: unknown.
Comment: This variant is considered likely benign. This variant is intronic and is not expected to impact mRNA splicing.

NM_000245.4(MET):c.2365-9T>C

Gene: MET (MET proto-oncogene, receptor tyrosine kinase; plus strand). Cytogenetic location: 7q31.2.
Variant type: single nucleotide variant.
Coding change: c.2365-9T>C on transcript NM_000245.4 (MANE Select); 9 bases into the intron before coding-DNA position 2365, T replaced by C.
Molecular consequence: intron variant.
Genome position (GRCh38, 1-based): chr7:116,763,041, T>C. VCF-style: chr7-116763041-T-C. GRCh37 (hg19) VCF-style: chr7-116403095-T-C.
Other names: c.2419-9T>C (NM_001127500.3); c.1075-9T>C (NM_001324402.2); c.2365-9T>C (NM_001324401.3).
Identifiers: ClinVar variation 3773252 (VCV003773252.1).